The following is an entry in ClinVar:

NM_000709.4(BCKDHA):c.*334C>T

Gene: BCKDHA (branched chain keto acid dehydrogenase E1 subunit alpha; plus strand). Cytogenetic location: 19q13.2.
Variant type: single nucleotide variant.
Coding change: c.*334C>T on transcript NM_000709.4 (MANE Select); 334 bases downstream of the stop codon, C replaced by T.
Molecular consequence: 3 prime UTR variant.
Genome position (GRCh38, 1-based): chr19:41,424,942, C>T. VCF-style: chr19-41424942-C-T. GRCh37 (hg19) VCF-style: chr19-41930847-C-T.
Other names: c.*334C>T (NM_001164783.2).
Identifiers: ClinVar variation 329376 (VCV000329376.5), dbSNP rs528816040, ClinGen allele CA10652486.

ClinVar aggregate classification (germline): Likely benign (1 of 4 stars; one submission).

Conditions:
Maple syrup urine disease (MSUD). Identifiers: Orphanet 511, MedGen C0024776, MeSH D008375, MONDO:0009563. Disease mechanism: loss of function.

Allele frequency attached by ClinVar (database versions not stated): gnomAD exomes 0.00014; gnomAD 0.00126 and 0.00133; TOPMed 0.00137; 1000 Genomes Project 30x 0.00203; 1000 Genomes Project 0.00240.
gnomAD v4.1: 208 of 272,806 alleles (0.076%); highest among the groups gnomAD compares: African/African-American, 0.42%; 1 homozygote.

Submission:

Illumina Laboratory Services, Illumina
Classification: Likely benign for Maple syrup urine disease type 1A. Last evaluated: 2018-01-13. Review status: criteria provided, single submitter. Criteria: ICSL Variant Classification Criteria 13 December 2019. Collection method: clinical testing. Allele origin: germline.
Comment: This variant was observed in the ICSL laboratory as part of a predisposition screen in an ostensibly healthy population. It had not been previously curated by ICSL or reported in the Human Gene Mutation Database (HGMD: prior to June 1st, 2018), and was therefore a candidate for classification through an automated scoring system. Utilizing variant allele frequency, disease prevalence and penetrance estimates, and inheritance mode, an automated score was calculated to assess if this variant is too frequent to cause the disease. Based on the score and internal cut-off values, a variant classified as likely benign is not then subjected to further curation. The score for this variant resulted in a classification of likely benign for this disease.